The following is an entry in ClinVar:

ClinVar aggregate classification (germline): Uncertain significance (1 of 4 stars; one submission).

Submission:

GeneDx
Classification: Uncertain significance. Last evaluated: 2025-10-01. Review status: criteria provided, single submitter. Criteria: GeneDx Variant Classification Process June 2021. Collection method: clinical testing. Allele origin: germline.
Comment: Not observed at significant frequency in large population cohorts (gnomAD); In silico analysis supports that this missense variant has a deleterious effect on protein structure/function; Has not been previously published as pathogenic or benign to our knowledge

NM_001197104.2(KMT2A):c.11437A>G (p.Thr3813Ala)

Genes: KMT2A (lysine methyltransferase 2A; plus strand), TTC36-AS1 (TTC36 and KMT2A antisense RNA 1; minus strand). Cytogenetic location: 11q23.3.
Variant type: single nucleotide variant.
Coding change: c.11437A>G on transcript NM_001197104.2 (MANE Select); coding-DNA position 11437, A replaced by G.
Protein change: p.Thr3813Ala; replaces threonine 3813 with alanine.
Molecular consequence: missense variant.
Genome position (GRCh38, 1-based): chr11:118,520,809, A>G. VCF-style: chr11-118520809-A-G. GRCh37 (hg19) VCF-style: chr11-118391524-A-G.
Other names: c.11527A>G, p.Thr3843Ala (NM_001412597.1); c.11428A>G, p.Thr3810Ala (NM_005933.4); short protein forms T3810A, T3813A, T3843A.
Identifiers: ClinVar variation 2504967 (VCV002504967.2), dbSNP rs2497120595, ClinGen allele CA382834891.